The following is an entry in ClinVar:

NM_007254.4(PNKP):c.817-20C>G

Gene: PNKP (polynucleotide kinase 3'-phosphatase; minus strand). Cytogenetic location: 19q13.33.
Variant type: single nucleotide variant.
Coding change: c.817-20C>G on transcript NM_007254.4 (MANE Select); 20 bases into the intron before coding-DNA position 817, C replaced by G.
Molecular consequence: intron variant.
Genome position (GRCh38, 1-based): chr19:49,862,758, G>C on the plus strand (C>G on the coding strand, the complement: PNKP is on the minus strand). VCF-style: chr19-49862758-G-C. GRCh37 (hg19) VCF-style: chr19-50366015-G-C.
Identifiers: ClinVar variation 387556 (VCV000387556.9), dbSNP rs201778535, ClinGen allele CA9586776.

ClinVar aggregate classification (germline): Likely benign. Review status: criteria provided, multiple submitters, no conflicts (2 of 4 stars). 2 submissions from 2 submitters: Likely benign (2). Last evaluated 2026-01-21.

Conditions:
Developmental and epileptic encephalopathy, 12 (DEE12). Identifiers: MedGen C3150988, MONDO:0013389, OMIM 613722.

Allele frequency attached by ClinVar (database versions not stated): ExAC 0.00003; gnomAD exomes 0.00004; gnomAD 0.00005 and 0.00006; TOPMed 0.00006; ESP Exome Variant Server 0.00008.
gnomAD v4.1: 126 of 1,613,800 alleles (0.0078%); highest among the groups gnomAD compares: Non-Finnish European, 0.0098%; no homozygotes.

Submissions (2):

Labcorp Genetics (formerly Invitae), Labcorp
Classification: Likely benign for Developmental and epileptic encephalopathy, 12. Last evaluated: 2026-01-21. Review status: criteria provided, single submitter. Criteria: Invitae Variant Classification Sherloc (09022015). Collection method: clinical testing. Allele origin: germline.

GeneDx
Classification: Likely benign. Last evaluated: 2016-07-12. Review status: criteria provided, single submitter. Criteria: GeneDx Variant Classification (06012015). Collection method: clinical testing. Allele origin: germline. Affected: yes.
Comment: This variant is considered likely benign or benign based on one or more of the following criteria: it is a conservative change, it occurs at a poorly conserved position in the protein, it is predicted to be benign by multiple in silico algorithms, and/or has population frequency not consistent with disease.